The following is an entry in ClinVar:

ClinVar aggregate classification (germline): Uncertain significance. Review status: criteria provided, multiple submitters, no conflicts (2 of 4 stars). 5 submissions from 5 submitters: Uncertain significance (4). 1 of the submissions does not count toward it. Last evaluated 2026-07-01.

Conditions:
Glycogen storage disease, type II (IOPD). Also called: CARDIOMEGALIA GLYCOGENICA DIFFUSA; Glycogen storage disease type 2; Acid maltase deficiency disease; Aglucosidase alfa; Deficiency of alpha-glucosidase; Deficiency of lysosomal alpha-glucosidase. Identifiers: Orphanet 365, MedGen C0017921, MONDO:0009290, OMIM 232300.

Allele frequency attached by ClinVar (database versions not stated): ESP Exome Variant Server 0.00008.
gnomAD v4.1: 5 of 1,612,878 alleles (0.00031%); highest among the groups gnomAD compares: Middle Eastern, 0.016%; no homozygotes.

Submissions (5):

Genomenon, Inc
Classification: Uncertain significance for Glycogen storage disease, type II. Last evaluated: 2026-07-01. Review status: criteria provided, single submitter. Criteria: Genomenon Sequence Variant Interpretation Standards - Updated. Collection method: curation. Allele origin: germline. Affected: yes.
Comment: GAA p.Ser379Tyr (c.1136C>A) is a missense variant that changes the amino acid at codon 379 from Serine to Tyrosine. This variant has been observed in at least one proband with a GAA-related disorder (PMID:40225932). It is absent or not present at a significant frequency in gnomAD. In silico models predict that this variant is not damaging. In conclusion, we classify GAA p.Ser379Tyr (c.1136C>A) as a variant of uncertain significance.

Labcorp Genetics (formerly Invitae), Labcorp
Classification: Uncertain significance for Glycogen storage disease, type II. Last evaluated: 2025-10-14. Review status: criteria provided, single submitter. Criteria: Invitae Variant Classification Sherloc (09022015). Collection method: clinical testing. Allele origin: germline.
Comment: This sequence change replaces serine, which is neutral and polar, with tyrosine, which is neutral and polar, at codon 379 of the GAA protein (p.Ser379Tyr). This variant is present in population databases (rs377233099, gnomAD 0.003%). This variant has not been reported in the literature in individuals affected with GAA-related conditions. ClinVar contains an entry for this variant (Variation ID: 966297). Invitae Evidence Modeling of protein sequence and biophysical properties (such as structural, functional, and spatial information, amino acid conservation, physicochemical variation, residue mobility, and thermodynamic stability) has been performed for this missense variant. However, the output from this modeling did not meet the statistical confidence thresholds required to predict the impact of this variant on GAA protein function. In summary, the available evidence is currently insufficient to determine the role of this variant in disease. Therefore, it has been classified as a Variant of Uncertain Significance.

Revvity Omics, Revvity
Classification: Uncertain significance. Last evaluated: 2022-04-14. Review status: criteria provided, single submitter. Criteria: ACMG Guidelines, 2015. Collection method: clinical testing. Allele origin: germline.

Fulgent Genetics
Classification: Uncertain significance for Glycogen storage disease, type II. Last evaluated: 2021-11-02. Review status: criteria provided, single submitter. Criteria: ACMG Guidelines, 2015. Collection method: clinical testing. Allele origin: unknown.

Natera, Inc.
Classification: Uncertain significance for Glycogen storage disease type II. Last evaluated: 2021-05-27. Review status: no assertion criteria provided. Collection method: clinical testing. Allele origin: germline. Not counted in ClinVar's aggregate classification.

Literature cited by the submitters: PubMed 40225932 (cited by Genomenon, Inc).

NM_000152.5(GAA):c.1136C>A (p.Ser379Tyr)

Gene: GAA (alpha glucosidase; plus strand). Cytogenetic location: 17q25.3.
Variant type: single nucleotide variant.
Coding change: c.1136C>A on transcript NM_000152.5 (MANE Select); coding-DNA position 1136, C replaced by A.
Protein change: p.Ser379Tyr; replaces serine 379 with tyrosine.
Molecular consequence: missense variant.
Genome position (GRCh38, 1-based): chr17:80,108,549, C>A. VCF-style: chr17-80108549-C-A. GRCh37 (hg19) VCF-style: chr17-78082348-C-A.
Other names: c.1136C>A, p.Ser379Tyr (NM_001079803.3, NM_001079804.3); short protein forms S379Y.
Identifiers: ClinVar variation 966297 (VCV000966297.15), dbSNP rs377233099, ClinGen allele CA294892232.
Genomic context (GRCh38, chr17:80,108,549, plus strand): 5'-GATACCCGTTCATGCCGCCATACTGGGGCCTGGGCTTCCACCTGTGCCGCTGGGGCTACT[C>A]CTCCACCGCTATCACCCGCCAGGTGGTGGAGAACATGACCAGGGCCCACTTCCCCCTGGT-3'
Protein context (NP_000143.2, residues 369-389): LGFHLCRWGY[Ser379Tyr]STAITRQVVE